The following is an entry in ClinVar:

ClinVar aggregate classification (germline): Uncertain significance (1 of 4 stars; one submission).

Conditions:
GABRB2-related disorder. Also called: GABRB2-related condition.

gnomAD v4.1: 1 of 1,613,390 alleles (0.000062%); highest among the groups gnomAD compares: Admixed American, 0.0017%; no homozygotes.

Submission:

PreventionGenetics, part of Exact Sciences
Classification: Uncertain significance for GABRB2-related condition. Last evaluated: 2024-12-19. Review status: criteria provided, single submitter. Criteria: ACMG Guidelines, 2015. Collection method: clinical testing. Allele origin: germline.
Comment: The GABRB2 c.1160G>C variant is predicted to result in the amino acid substitution p.Arg387Pro. To our knowledge, this variant has not been reported in the literature or in a large population database (gnomAD), indicating this variant is rare. At this time, the clinical significance of this variant is uncertain due to the absence of conclusive functional and genetic evidence.

NM_001371727.1(GABRB2):c.1160G>C (p.Arg387Pro)

Gene: GABRB2 (gamma-aminobutyric acid type A receptor subunit beta2; minus strand). Cytogenetic location: 5q34.
Variant type: single nucleotide variant.
Coding change: c.1160G>C on transcript NM_001371727.1 (MANE Select); coding-DNA position 1160, G replaced by C.
Protein change: p.Arg387Pro; replaces arginine 387 with proline.
Molecular consequence: missense variant. On other transcripts: intron variant (1).
Genome position (GRCh38, 1-based): chr5:161,326,399, C>G on the plus strand (G>C on the coding strand, the complement: GABRB2 is on the minus strand). VCF-style: chr5-161326399-C-G. GRCh37 (hg19) VCF-style: chr5-160753406-C-G.
Other names: c.1160G>C, p.Arg387Pro (NM_021911.3); c.1077+4484G>C (NM_000813.3); short protein forms R387P.
Identifiers: ClinVar variation 5001684 (VCV005001684.1).